The following is an entry in ClinVar:

ClinVar aggregate classification (germline): Uncertain significance (1 of 4 stars; one submission).

Submission:

Labcorp Genetics (formerly Invitae), Labcorp
Classification: Uncertain significance. Last evaluated: 2025-03-23. Review status: criteria provided, single submitter. Criteria: Invitae Variant Classification Sherloc (09022015). Collection method: clinical testing. Allele origin: germline.
Comment: This sequence change replaces isoleucine, which is neutral and non-polar, with lysine, which is basic and polar, at codon 910 of the ERBIN protein (p.Ile910Lys). This variant is not present in population databases (gnomAD no frequency). This variant has not been reported in the literature in individuals affected with ERBIN-related conditions. An algorithm developed to predict the effect of missense changes on protein structure and function (PolyPhen-2) suggests that this variant is likely to be disruptive. In summary, the available evidence is currently insufficient to determine the role of this variant in disease. Therefore, it has been classified as a Variant of Uncertain Significance.

NM_001253697.2(ERBIN):c.2729T>A (p.Ile910Lys)

Gene: ERBIN (erbb2 interacting protein; plus strand). Cytogenetic location: 5q12.3.
Variant type: single nucleotide variant.
Coding change: c.2729T>A on transcript NM_001253697.2 (MANE Select); coding-DNA position 2729, T replaced by A.
Protein change: p.Ile910Lys; replaces isoleucine 910 with lysine.
Molecular consequence: missense variant.
Genome position (GRCh38, 1-based): chr5:66,054,047, T>A. VCF-style: chr5-66054047-T-A. GRCh37 (hg19) VCF-style: chr5-65349875-T-A.
Other names: c.2729T>A, p.Ile910Lys (NM_001006600.3, NM_001253698.2, NM_001253699.2 and 1 more transcripts); c.2717T>A, p.Ile906Lys (NM_001253701.2); short protein forms I906K, I910K.
Identifiers: ClinVar variation 4715348 (VCV004715348.1).
Genomic context (GRCh38, chr5:66,054,047, plus strand): 5'-ATGGACCTCAGCAGCCAAGTACAACCGTTAAAATCACATCTGCTGTTGATGGAAAAAATA[T>A]AGTCAGGAGCAAGTCTGCCACACTGTTGTATGATCAACCATTGCAGGTATTTACTGGTTC-3'
Protein context (NP_001240626.1, residues 900-920): KITSAVDGKN[Ile910Lys]VRSKSATLLY